The following is an entry in ClinVar:

NC_000023.11:g.(31729749_31773959)_(31875374_31929595)del

Gene: DMD (dystrophin; minus strand). Cytogenetic location: Xp21.1.
Variant type: Deletion.
Identifiers: ClinVar variation 981974 (VCV000981974.2).

ClinVar aggregate classification (germline): Pathogenic (1 of 4 stars; one submission).

Conditions:
Neuromuscular disease caused by qualitative or quantitative defects of dystrophin. Also called: Qualitative or quantitative defects of dystrophin. Identifiers: Orphanet 207085, MedGen C5679787, MONDO:0016147.

Submission:

Women's Health and Genetics/Laboratory Corporation of America, LabCorp
Classification: Pathogenic for Neuromuscular disease caused by qualitative or quantitative defects of dystrophin. Last evaluated: 2025-03-06. Review status: criteria provided, single submitter. Criteria: LabCorp Variant Classification Summary - May 2015. Collection method: clinical testing. Allele origin: germline.
Comment: Variant summary: The variant involves the deletion of exons 48-51 in the DMD gene. A presumed nomenclature of c.(6912+1_6913-1)_(7542+1_7543-1)del has been designated for the purposes of this classification. This Copy Number Variant (CNV) is predicted to result in an in-frame deletion within this gene. The variant was absent in 16119 control chromosomes. c.(6912+1_6913-1)_(7542+1_7543-1)del has been reported in the literature in an heterozygous individual affected with hypotonia (Ek_2023). To our knowledge, no experimental evidence demonstrating an impact on protein function has been reported. A small inframe deletion variant (E50-51del) encompassing by this variant, has been reported in multiple individuals with Becker muscular dystroph (Helderman-van den Enden_2010). The following publications have been ascertained in the context of this evaluation (PMID: 37273706, 20153965). ClinVar contains an entry for this variant (Variation ID: 3248215). Based on the evidence outlined above, the variant was classified as pathogenic.

Literature cited by the submitters: PubMed 20153965; PubMed 37273706.